The following is an entry in ClinVar:

ClinVar aggregate classification (germline): Conflicting classifications of pathogenicity. Review status: criteria provided, conflicting classifications (1 of 4 stars). 4 submissions from 4 submitters: Uncertain significance (2); Likely benign (2). Last evaluated 2025-07-01.

Conditions:
Kabuki syndrome 1 (KABUK1). Also called: KMT2D-Related Kabuki Syndrome. Identifiers: Orphanet 2322, MedGen CN030661, MONDO:0007843, OMIM 147920.
Choanal atresia-athelia-hypothyroidism-delayed puberty-short stature syndrome (BCAHH). Also called: BRANCHIAL ARCH ABNORMALITIES, CHOANAL ATRESIA, ATHELIA, HEARING LOSS, AND HYPOTHYROIDISM SYNDROME. Identifiers: Orphanet 589856, MedGen C5680310, MONDO:0035651, OMIM 620186.
Kabuki syndrome. Also called: Kabuki make-up syndrome; NIIKAWA-KUROKI SYNDROME. Identifiers: Orphanet 2322, MedGen C0796004, MONDO:0016512.

Allele frequency attached by ClinVar (database versions not stated): ExAC 0.00001; gnomAD exomes 0.00001.
gnomAD v4.1: 17 of 1,611,966 alleles (0.0011%); highest among the groups gnomAD compares: Middle Eastern, 0.017%; no homozygotes.

Submissions (4):

CeGaT Center for Human Genetics Tuebingen
Classification: Uncertain significance. Last evaluated: 2025-07-01. Review status: criteria provided, single submitter. Criteria: CeGaT Center For Human Genetics Tuebingen Variant Classification Criteria Version 2. Collection method: clinical testing. Allele origin: germline. Affected: yes. Observed: 1 variant allele.
Comment: KMT2D: PP3

Fulgent Genetics
Classification: Uncertain significance for Kabuki syndrome 1; Choanal atresia-athelia-hypothyroidism-delayed puberty-short stature syndrome. Last evaluated: 2024-06-14. Review status: criteria provided, single submitter. Criteria: ACMG Guidelines, 2015. Collection method: clinical testing. Allele origin: germline.

Labcorp Genetics (formerly Invitae), Labcorp
Classification: Likely benign for Kabuki syndrome. Last evaluated: 2024-01-22. Review status: criteria provided, single submitter. Criteria: Invitae Variant Classification Sherloc (09022015). Collection method: clinical testing. Allele origin: germline.

Blueprint Genetics
Classification: Likely benign. Last evaluated: 2022-06-23. Review status: criteria provided, single submitter. Criteria: ACMG Guidelines, 2015. Collection method: clinical testing. Allele origin: germline.

NM_003482.4(KMT2D):c.15659G>A (p.Arg5220His)

Gene: KMT2D (lysine methyltransferase 2D; minus strand). Cytogenetic location: 12q13.12.
Variant type: single nucleotide variant.
Coding change: c.15659G>A on transcript NM_003482.4 (MANE Select); coding-DNA position 15659, G replaced by A.
Protein change: p.Arg5220His; replaces arginine 5220 with histidine.
Molecular consequence: missense variant.
Genome position (GRCh38, 1-based): chr12:49,026,307, C>T on the plus strand (G>A on the coding strand, the complement: KMT2D is on the minus strand). VCF-style: chr12-49026307-C-T. GRCh37 (hg19) VCF-style: chr12-49420090-C-T.
Other names: short protein forms R5220H.
Identifiers: ClinVar variation 2883713 (VCV002883713.13), dbSNP rs746471452, ClinGen allele CA6545522.